The following is an entry in ClinVar:

ClinVar aggregate classification (germline): Pathogenic (1 of 4 stars; one submission).

Conditions:
Charcot-Marie-Tooth disease type 4. Also called: Charcot-Marie-Tooth disease, type IV; Charcot-Marie-Tooth, Type 4. Identifiers: Orphanet 64749, MedGen C4082197, MONDO:0018995.

Submission:

Labcorp Genetics (formerly Invitae), Labcorp
Classification: Pathogenic for Charcot-Marie-Tooth disease type 4. Last evaluated: 2023-07-12. Review status: criteria provided, single submitter. Criteria: Invitae Variant Classification Sherloc (09022015). Collection method: clinical testing. Allele origin: germline.
Comment: For these reasons, this variant has been classified as Pathogenic. Algorithms developed to predict the effect of sequence changes on RNA splicing suggest that this variant may disrupt the consensus splice site. This variant has not been reported in the literature in individuals affected with SBF2-related conditions. This variant is not present in population databases (gnomAD no frequency). This sequence change creates a premature translational stop signal (p.Gln1455*) in the SBF2 gene. It is expected to result in an absent or disrupted protein product. Loss-of-function variants in SBF2 are known to be pathogenic (PMID: 12687498, 25873783).

Literature cited by the submitters: PubMed 12687498; PubMed 25873783.

NM_030962.4(SBF2):c.4363C>T (p.Gln1455Ter)

Genes: SBF2 (SET binding factor 2; minus strand), SBF2-AS1 (SBF2 antisense RNA 1; plus strand). Cytogenetic location: 11p15.4.
Variant type: single nucleotide variant.
Coding change: c.4363C>T on transcript NM_030962.4 (MANE Select); coding-DNA position 4363, C replaced by T.
Protein change: p.Gln1455Ter; replaces glutamine 1455 with a stop codon.
Molecular consequence: nonsense. On other transcripts: non-coding transcript variant (1).
Genome position (GRCh38, 1-based): chr11:9,808,080, G>A on the plus strand (C>T on the coding strand, the complement: SBF2 is on the minus strand). VCF-style: chr11-9808080-G-A. GRCh37 (hg19) VCF-style: chr11-9829627-G-A.
Other names: c.4459C>T, p.Gln1487Ter (NM_001386339.1); c.4234C>T, p.Gln1412Ter (NM_001386342.1); c.4399C>T, p.Gln1467Ter (NM_001424318.1, NM_001425070.1); c.4258C>T, p.Gln1420Ter (NM_001425069.1); short protein forms Q1420*, Q1455*, Q1467*, Q1412*, Q1487*.
Identifiers: ClinVar variation 2728844 (VCV002728844.3), dbSNP rs2494599240, ClinGen allele CA379639771.